The following is an entry in ClinVar:

ClinVar aggregate classification (germline): Uncertain significance (1 of 4 stars; one submission).

Allele frequency attached by ClinVar (database versions not stated): gnomAD exomes 0.00001; ExAC 0.00002.
gnomAD v4.1: 8 of 1,613,820 alleles (0.0005%); highest among the groups gnomAD compares: Non-Finnish European, 0.00068%; no homozygotes.

Submission:

Labcorp Genetics (formerly Invitae), Labcorp
Classification: Uncertain significance. Last evaluated: 2021-01-03. Review status: criteria provided, single submitter. Criteria: Invitae Variant Classification Sherloc (09022015). Collection method: clinical testing. Allele origin: germline.
Comment: In summary, the available evidence is currently insufficient to determine the role of this variant in disease. Therefore, it has been classified as a Variant of Uncertain Significance. Algorithms developed to predict the effect of missense changes on protein structure and function output the following: SIFT: "Tolerated"; PolyPhen-2: "Benign"; Align-GVGD: "Class C0". The threonine amino acid residue is found in multiple mammalian species, suggesting that this missense change does not adversely affect protein function. These predictions have not been confirmed by published functional studies and their clinical significance is uncertain. This variant has not been reported in the literature in individuals with CD46-related conditions. This variant is present in population databases (rs759430396, ExAC 0.003%). This sequence change replaces methionine with threonine at codon 253 of the CD46 protein (p.Met253Thr). The methionine residue is weakly conserved and there is a moderate physicochemical difference between methionine and threonine.

NM_172351.3(CD46):c.758T>C (p.Met253Thr)

Gene: CD46 (CD46 molecule; plus strand). Cytogenetic location: 1q32.2.
Variant type: single nucleotide variant.
Coding change: c.758T>C on transcript NM_172351.3 (MANE Select); coding-DNA position 758, T replaced by C.
Protein change: p.Met253Thr; replaces methionine 253 with threonine.
Molecular consequence: missense variant.
Genome position (GRCh38, 1-based): chr1:207,767,097, T>C. VCF-style: chr1-207767097-T-C. GRCh37 (hg19) VCF-style: chr1-207940442-T-C.
Other names: c.758T>C, p.Met253Thr (NM_002389.4, NM_153826.4, NM_172350.3 and 8 more transcripts); short protein forms M253T.
Identifiers: ClinVar variation 1523976 (VCV001523976.8), dbSNP rs759430396, ClinGen allele CA1371722.
Genomic context (GRCh38, chr1:207,767,097, plus strand): 5'-TCGAAAATGGAAAACAGATATCAGGATTTGGAAAAAAATTTTACTACAAAGCAACAGTTA[T>C]GTTTGAATGCGATAAGGGTTTTTACCTCGATGGCAGCGACACAATTGTCTGTGACAGTAA-3'
Protein context (NP_758861.1, residues 243-263): GKKFYYKATV[Met253Thr]FECDKGFYLD